The following is an entry in ClinVar:

ClinVar aggregate classification (germline): Likely benign (0 of 4 stars; one submission).

Conditions:
PKD1-related disorder. Also called: PKD1-related condition.

gnomAD v4.1: 6 of 1,571,004 alleles (0.00038%); highest among the groups gnomAD compares: East Asian, 0.0024%; no homozygotes.

Submission:

PreventionGenetics, part of Exact Sciences
Classification: Likely benign for PKD1-related condition. Last evaluated: 2022-10-03. Review status: no assertion criteria provided. Collection method: clinical testing. Allele origin: germline.
Comment: This variant is classified as likely benign based on ACMG/AMP sequence variant interpretation guidelines (Richards et al. 2015 PMID: 25741868, with internal and published modifications).

NM_001009944.3(PKD1):c.6330C>G (p.Ala2110=)

Gene: PKD1 (polycystin 1, transient receptor potential channel interacting; minus strand). Cytogenetic location: 16p13.3.
Variant type: single nucleotide variant.
Coding change: c.6330C>G on transcript NM_001009944.3 (MANE Select); coding-DNA position 6330, C replaced by G.
Protein change: p.Ala2110=; no amino-acid change (alanine 2110 retained).
Molecular consequence: synonymous variant.
Genome position (GRCh38, 1-based): chr16:2,108,837, G>C on the plus strand (C>G on the coding strand, the complement: PKD1 is on the minus strand). VCF-style: chr16-2108837-G-C. GRCh37 (hg19) VCF-style: chr16-2158838-G-C.
Other names: c.6330C>G, p.Ala2110= (NM_000296.4).
Identifiers: ClinVar variation 3055444 (VCV003055444.2), dbSNP rs148814691, ClinGen allele CA493047275.